The following is an entry in ClinVar:

ClinVar aggregate classification (germline): Uncertain significance. Review status: criteria provided, multiple submitters, no conflicts (2 of 4 stars). 2 submissions from 2 submitters: Uncertain significance (2). Last evaluated 2025-08-05.

Conditions:
GNAS-related disorder. Identifiers: MedGen CN380105.

Submissions (2):

PreventionGenetics, part of Exact Sciences
Classification: Uncertain significance for GNAS-related condition. Last evaluated: 2025-08-05. Review status: criteria provided, single submitter. Criteria: ACMG Guidelines, 2015. Collection method: clinical testing. Allele origin: germline.
Comment: The GNAS c.586-3C>G variant is predicted to interfere with splicing. To our knowledge, this variant has not been reported in the literature or in a large population database (gnomAD), indicating this variant is rare. At this time, the clinical significance of this variant is uncertain due to the absence of conclusive functional and genetic evidence.

Blueprint Genetics
Classification: Uncertain significance. Last evaluated: 2022-03-25. Review status: criteria provided, single submitter. Criteria: ACMG Guidelines, 2015. Collection method: clinical testing. Allele origin: germline.

NM_000516.7(GNAS):c.586-3C>G

Gene: GNAS (GNAS complex locus; plus strand). Cytogenetic location: 20q13.32.
Variant type: single nucleotide variant.
Coding change: c.586-3C>G on transcript NM_000516.7 (MANE Select); 3 bases into the intron before coding-DNA position 586, C replaced by G.
Molecular consequence: intron variant.
Genome position (GRCh38, 1-based): chr20:58,909,347, C>G. VCF-style: chr20-58909347-C-G. GRCh37 (hg19) VCF-style: chr20-57484402-C-G.
Other names: c.586-3C>G (NM_000516.5); c.*492-3C>G (NM_016592.5); c.490-3C>G (NM_001410912.1); c.409-3C>G (NM_001309861.2, NM_001439291.1, NM_001309840.2 and 1 more transcripts); c.*447-3C>G (NM_001077490.3); c.2515-3C>G (NM_080425.4); c.2470-3C>G (NM_001410913.1); c.364-3C>G (NM_001438273.1, NM_001438274.1, NM_001438275.1); and 3 more.
Identifiers: ClinVar variation 4945486 (VCV004945486.2).